The following is an entry in ClinVar:

NM_006231.4(POLE):c.4568T>C (p.Met1523Thr)

Gene: POLE (DNA polymerase epsilon, catalytic subunit; minus strand). Cytogenetic location: 12q24.33.
Variant type: single nucleotide variant.
Coding change: c.4568T>C on transcript NM_006231.4 (MANE Select); coding-DNA position 4568, T replaced by C.
Protein change: p.Met1523Thr; replaces methionine 1523 with threonine.
Molecular consequence: missense variant.
Genome position (GRCh38, 1-based): chr12:132,642,980, A>G on the plus strand (T>C on the coding strand, the complement: POLE is on the minus strand). VCF-style: chr12-132642980-A-G. GRCh37 (hg19) VCF-style: chr12-133219566-A-G.
Other names: c.4568T>C (NM_006231.2); short protein forms M1523T.
Identifiers: ClinVar variation 650842 (VCV000650842.10), dbSNP rs529080029, ClinGen allele CA6892773.

ClinVar aggregate classification (germline): Uncertain significance. Review status: criteria provided, multiple submitters, no conflicts (2 of 4 stars). 3 submissions from 3 submitters: Uncertain significance (3). Last evaluated 2026-01-02.

Conditions:
Hereditary cancer-predisposing syndrome. Also called: Neoplastic Syndromes, Hereditary; Hereditary neoplastic syndrome; Tumor predisposition; Hereditary Cancer Syndrome. Identifiers: Orphanet 140162, MedGen C0027672, MeSH D009386, MONDO:0015356.

Allele frequency attached by ClinVar (database versions not stated): 1000 Genomes Project 0.00020; gnomAD 0.00001; 1000 Genomes Project 30x 0.00016.

Submissions (3):

Ambry Genetics
Classification: Uncertain significance for Hereditary cancer-predisposing syndrome. Last evaluated: 2026-01-02. Review status: criteria provided, single submitter. Criteria: Ambry Variant Classification Scheme 2023. Collection method: clinical testing. Allele origin: germline.
Comment: The p.M1523T variant (also known as c.4568T>C), located in coding exon 36 of the POLE gene, results from a T to C substitution at nucleotide position 4568. The methionine at codon 1523 is replaced by threonine, an amino acid with similar properties. This amino acid position is highly conserved in available vertebrate species. In addition, the in silico prediction for this alteration is inconclusive. Based on the available evidence, the clinical significance of this variant remains unclear.

Labcorp Genetics (formerly Invitae), Labcorp
Classification: Uncertain significance. Last evaluated: 2025-09-17. Review status: criteria provided, single submitter. Criteria: Invitae Variant Classification Sherloc (09022015). Collection method: clinical testing. Allele origin: germline.
Comment: This sequence change replaces methionine, which is neutral and non-polar, with threonine, which is neutral and polar, at codon 1523 of the POLE protein (p.Met1523Thr). This variant is present in population databases (rs529080029, gnomAD 0.007%). This variant has not been reported in the literature in individuals affected with POLE-related conditions. ClinVar contains an entry for this variant (Variation ID: 650842). Invitae Evidence Modeling of protein sequence and biophysical properties (such as structural, functional, and spatial information, amino acid conservation, physicochemical variation, residue mobility, and thermodynamic stability) indicates that this missense variant is not expected to disrupt POLE protein function with a negative predictive value of 80%. In summary, the available evidence is currently insufficient to determine the role of this variant in disease. Therefore, it has been classified as a Variant of Uncertain Significance.

GeneDx
Classification: Uncertain significance. Last evaluated: 2022-09-29. Review status: criteria provided, single submitter. Criteria: GeneDx Variant Classification Process June 2021. Collection method: clinical testing. Allele origin: germline. Affected: yes.
Comment: Not observed at significant frequency in large population cohorts (gnomAD); In silico analysis supports that this missense variant has a deleterious effect on protein structure/function; Has not been previously published as pathogenic or benign to our knowledge